The following is an entry in ClinVar:

ClinVar aggregate classification (germline): Conflicting classifications of pathogenicity. Review status: criteria provided, conflicting classifications (1 of 4 stars). 3 submissions from 3 submitters: Uncertain significance (2); Likely benign (1). Last evaluated 2023-07-10.

Conditions:
Hereditary cancer-predisposing syndrome. Also called: Neoplastic Syndromes, Hereditary; Hereditary Cancer Syndrome; Tumor predisposition; Hereditary neoplastic syndrome. Identifiers: Orphanet 140162, MedGen C0027672, MeSH D009386, MONDO:0015356.
Hereditary breast ovarian cancer syndrome. Also called: Hereditary breast and ovarian cancer; Hereditary breast and ovarian cancer syndrome; Breast and ovarian cancer; BRCA1- and BRCA2-Associated Hereditary Breast and Ovarian Cancer; Hereditary breast and/or ovarian cancer syndrome; Hereditary breast and ovarian cancer syndrome (HBOC). Identifiers: Orphanet 145, MedGen C0677776, MeSH D061325, MONDO:0003582. Disease mechanism: loss of function.

gnomAD v4.1: 1 of 1,611,906 alleles (0.000062%); highest among the groups gnomAD compares: Non-Finnish European, 0.000085%; no homozygotes.

Submissions (3):

Labcorp Genetics (formerly Invitae), Labcorp
Classification: Uncertain significance for Hereditary breast ovarian cancer syndrome. Last evaluated: 2023-07-10. Review status: criteria provided, single submitter. Criteria: Invitae Variant Classification Sherloc (09022015). Collection method: clinical testing. Allele origin: germline.
Comment: In summary, the available evidence is currently insufficient to determine the role of this variant in disease. Therefore, it has been classified as a Variant of Uncertain Significance. Advanced modeling of protein sequence and biophysical properties (such as structural, functional, and spatial information, amino acid conservation, physicochemical variation, residue mobility, and thermodynamic stability) performed at Invitae indicates that this missense variant is not expected to disrupt BRCA2 protein function. ClinVar contains an entry for this variant (Variation ID: 993091). This variant has not been reported in the literature in individuals affected with BRCA2-related conditions. This variant is not present in population databases (gnomAD no frequency). This sequence change replaces asparagine, which is neutral and polar, with threonine, which is neutral and polar, at codon 346 of the BRCA2 protein (p.Asn346Thr).

University of Washington Department of Laboratory Medicine, University of Washington
Classification: Likely benign for Hereditary cancer-predisposing syndrome. Last evaluated: 2023-03-23. Review status: criteria provided, single submitter. Criteria: Dines et al. (Genet Med. 2020). Collection method: curation. Allele origin: germline.
Comment: Missense variant in a coldspot region where missense variants are very unlikely to be pathogenic (PMID:31911673).

BRCA2 exon 10 coldspot. Reclassification based on statistical prior probability.

Quest Diagnostics Nichols Institute San Juan Capistrano
Classification: Uncertain significance. Last evaluated: 2019-11-01. Review status: criteria provided, single submitter. Criteria: Quest Diagnostics criteria. Collection method: clinical testing. Allele origin: unknown.

NM_000059.4(BRCA2):c.1037A>C (p.Asn346Thr)

Gene: BRCA2 (BRCA2 DNA repair associated; plus strand). Cytogenetic location: 13q13.1.
Variant type: single nucleotide variant.
Coding change: c.1037A>C on transcript NM_000059.4 (MANE Select); coding-DNA position 1037, A replaced by C.
Protein change: p.Asn346Thr; replaces asparagine 346 with threonine.
Molecular consequence: missense variant.
Genome position (GRCh38, 1-based): chr13:32,332,515, A>C. VCF-style: chr13-32332515-A-C. GRCh37 (hg19) VCF-style: chr13-32906652-A-C.
Other names: short protein forms N346T.
Identifiers: ClinVar variation 993091 (VCV000993091.11), dbSNP rs786202042, ClinGen allele CA387761210.